The following is an entry in ClinVar:

ClinVar aggregate classification (germline): Uncertain significance. Review status: criteria provided, multiple submitters, no conflicts (2 of 4 stars). 2 submissions from 2 submitters: Uncertain significance (2). Last evaluated 2026-02-24.

Conditions:
TTN-related disorder. Also called: TTN-related disorders; TTN-related condition; TTN-related disease.
Tibial muscular dystrophy (TMD). Also called: UDD MYOPATHY; Udd Distal Myopathy – Tibial Muscular Dystrophy; Tibial muscular dystrophy, tardive. Identifiers: Orphanet 609, MedGen C1838244, MONDO:0010870, OMIM 600334.

Allele frequency attached by ClinVar (database versions not stated): gnomAD 0.00001; TOPMed 0.00002.
gnomAD v4.1: 31 of 1,613,534 alleles (0.0019%); highest among the groups gnomAD compares: Non-Finnish European, 0.0024%; no homozygotes.

Submissions (2):

PreventionGenetics, part of Exact Sciences
Classification: Uncertain significance for TTN-related condition. Last evaluated: 2026-02-24. Review status: criteria provided, single submitter. Criteria: ACMG Guidelines, 2015. Collection method: clinical testing. Allele origin: germline.
Comment: The TTN c.82328G>A variant is predicted to result in the amino acid substitution p.Arg27443His. To our knowledge, this variant has not been reported in the literature. This variant is reported in 0.0056% of alleles in individuals of East Asian descent in gnomAD. At this time, the clinical significance of this variant is uncertain due to the absence of conclusive functional and genetic evidence.

Eurofins Ntd Llc (ga)
Classification: Uncertain significance. Last evaluated: 2018-08-30. Review status: criteria provided, single submitter. Criteria: EGL ClinVar v180209 classification definitions. Collection method: clinical testing. Allele origin: germline. Observed: 1 variant allele, 1 heterozygote.

NM_001267550.2(TTN):c.82328G>A (p.Arg27443His)

Genes: TTN (titin; minus strand), TTN-AS1 (TTN antisense RNA 1; plus strand). Cytogenetic location: 2q31.2.
Variant type: single nucleotide variant.
Coding change: c.82328G>A on transcript NM_001267550.2 (MANE Select); coding-DNA position 82328, G replaced by A.
Protein change: p.Arg27443His; replaces arginine 27443 with histidine.
Molecular consequence: missense variant.
Genome position (GRCh38, 1-based): chr2:178,563,804, C>T on the plus strand (G>A on the coding strand, the complement: TTN is on the minus strand). VCF-style: chr2-178563804-C-T. GRCh37 (hg19) VCF-style: chr2-179428531-C-T.
Other names: c.77405G>A, p.Arg25802His (NM_001256850.1); c.55133G>A, p.Arg18378His (NM_003319.4); c.74624G>A, p.Arg24875His (NM_133378.4); c.55508G>A, p.Arg18503His (NM_133432.3); c.55709G>A, p.Arg18570His (NM_133437.4); short protein forms R24875H, R27443H, R25802H, R18378H, R18503H, R18570H.
Identifiers: ClinVar variation 441004 (VCV000441004.6), dbSNP rs551496477, ClinGen allele CA60987121.